The following is an entry in ClinVar:

ClinVar aggregate classification (germline): Uncertain significance (1 of 4 stars; one submission).

Conditions:
Familial cancer of breast. Also called: BREAST CANCER, FAMILIAL; Hereditary breast cancer; hereditary breast carcinoma. Identifiers: Orphanet 227535, MedGen C0346153, MONDO:0016419, OMIM 114480. Disease mechanism: loss of function.

Submission:

St. Jude Molecular Pathology, St. Jude Children's Research Hospital
Classification: Uncertain significance for Familial cancer of breast. Last evaluated: 2021-12-29. Review status: criteria provided, single submitter. Criteria: St. Jude Assertion Criteria 2020. Collection method: clinical testing. Allele origin: germline.
Comment: The PALB2 c.2876T>C (p.Val959Ala) missense change is absent in gnomAD v2.1.1 (PM2_supporting) and is not reported in a database of women older than 70 years of age who have never had cancer (FLOSSIES database). Six of seven in silico tools predict a benign effect of this variant on protein function (BP4), but to our knowledge these predictions have not been confirmed by functional assays. To our knowledge, this variant has not been reported in individuals affected with hereditary breast and ovarian cancer or Fanconi anemia. In summary, this variant meets criteria to be classified as of uncertain significance based on the ACMG/AMP criteria: PM2_supporting, BP4

NM_024675.4(PALB2):c.2876T>C (p.Val959Ala)

Gene: PALB2 (partner and localizer of BRCA2; minus strand). Cytogenetic location: 16p12.2.
Variant type: single nucleotide variant.
Coding change: c.2876T>C on transcript NM_024675.4 (MANE Select); coding-DNA position 2876, T replaced by C.
Protein change: p.Val959Ala; replaces valine 959 with alanine.
Molecular consequence: missense variant.
Genome position (GRCh38, 1-based): chr16:23,623,089, A>G on the plus strand (T>C on the coding strand, the complement: PALB2 is on the minus strand). VCF-style: chr16-23623089-A-G. GRCh37 (hg19) VCF-style: chr16-23634410-A-G.
Other names: short protein forms V959A.
Identifiers: ClinVar variation 1691512 (VCV001691512.4), dbSNP rs2142337057, ClinGen allele CA395144366.